The following is an entry in ClinVar:

ClinVar aggregate classification (germline): Likely benign (1 of 4 stars; one submission).

Conditions:
Noonan syndrome 6 (NS6). Also called: NRAS-Related Noonan Syndrome. Identifiers: Orphanet 648, MedGen C2750732, MONDO:0013186, OMIM 613224.

Allele frequency attached by ClinVar (database versions not stated): gnomAD 0.00008 and 0.00011; TOPMed 0.00011; 1000 Genomes Project 30x 0.00031; 1000 Genomes Project 0.00040.

Submission:

Illumina Laboratory Services, Illumina
Classification: Likely benign for Noonan syndrome 6. Last evaluated: 2018-01-12. Review status: criteria provided, single submitter. Criteria: ICSL Variant Classification Criteria 13 December 2019. Collection method: clinical testing. Allele origin: germline.
Comment: This variant was observed in the ICSL laboratory as part of a predisposition screen in an ostensibly healthy population. It had not been previously curated by ICSL or reported in the Human Gene Mutation Database (HGMD: prior to June 1st, 2018), and was therefore a candidate for classification through an automated scoring system. Utilizing variant allele frequency, disease prevalence and penetrance estimates, and inheritance mode, an automated score was calculated to assess if this variant is too frequent to cause the disease. Based on the score and internal cut-off values, a variant classified as likely benign is not then subjected to further curation. The score for this variant resulted in a classification of likely benign for this disease.

NM_002524.5(NRAS):c.*2327C>T

Gene: NRAS (NRAS proto-oncogene, GTPase; minus strand). Cytogenetic location: 1p13.2.
Variant type: single nucleotide variant.
Coding change: c.*2327C>T on transcript NM_002524.5 (MANE Select); 2327 bases downstream of the stop codon, C replaced by T.
Molecular consequence: 3 prime UTR variant.
Genome position (GRCh38, 1-based): chr1:114,705,767, G>A on the plus strand (C>T on the coding strand, the complement: NRAS is on the minus strand). VCF-style: chr1-114705767-G-A. GRCh37 (hg19) VCF-style: chr1-115248388-G-A.
Identifiers: ClinVar variation 291960 (VCV000291960.5), dbSNP rs533027827, ClinGen allele CA10607484.